The following is an entry in ClinVar:

ClinVar aggregate classification (germline): Uncertain significance (1 of 4 stars; one submission).

Submission:

GeneDx
Classification: Uncertain significance. Last evaluated: 2025-03-24. Review status: criteria provided, single submitter. Criteria: GeneDx Variant Classification Process June 2021. Collection method: clinical testing. Allele origin: germline. Affected: yes.
Comment: Not observed at significant frequency in large population cohorts (gnomAD); In silico analysis supports that this missense variant has a deleterious effect on protein structure/function; Has not been previously published as pathogenic or benign to our knowledge

NM_006885.4(ZFHX3):c.635A>G (p.Asp212Gly)

Gene: ZFHX3 (zinc finger homeobox 3; minus strand). Cytogenetic location: 16q22.3.
Variant type: single nucleotide variant.
Coding change: c.635A>G on transcript NM_006885.4 (MANE Select); coding-DNA position 635, A replaced by G.
Protein change: p.Asp212Gly; replaces aspartic acid 212 with glycine.
Molecular consequence: missense variant. On other transcripts: intron variant (1).
Genome position (GRCh38, 1-based): chr16:72,959,511, T>C on the plus strand (A>G on the coding strand, the complement: ZFHX3 is on the minus strand). VCF-style: chr16-72959511-T-C. GRCh37 (hg19) VCF-style: chr16-72993410-T-C.
Other names: c.635A>G, p.Asp212Gly (NM_001386735.1); c.-23-8546A>G (NM_001164766.2); short protein forms D212G.
Identifiers: ClinVar variation 4087927 (VCV004087927.1).